The following is an entry in ClinVar:

NM_004006.3(DMD):c.4660G>A (p.Glu1554Lys)

Gene: DMD (dystrophin; minus strand). Cytogenetic location: Xp21.1.
Variant type: single nucleotide variant.
Coding change: c.4660G>A on transcript NM_004006.3 (MANE Select); coding-DNA position 4660, G replaced by A.
Protein change: p.Glu1554Lys; replaces glutamic acid 1554 with lysine.
Molecular consequence: missense variant.
Genome position (GRCh38, 1-based): chrX:32,386,324, C>T on the plus strand (G>A on the coding strand, the complement: DMD is on the minus strand). VCF-style: chrX-32386324-C-T. GRCh37 (hg19) VCF-style: chrX-32404441-C-T.
Other names: c.4636G>A, p.Glu1546Lys (NM_000109.4); c.4648G>A, p.Glu1550Lys (NM_004009.3); c.4291G>A, p.Glu1431Lys (NM_004010.3); c.637G>A, p.Glu213Lys (NM_004011.4); c.628G>A, p.Glu210Lys (NM_004012.4); short protein forms E1431K, E1546K, E1550K, E1554K, E210K, E213K.
Identifiers: ClinVar variation 1014554 (VCV001014554.10), dbSNP rs1216000876, ClinGen allele CA412662493.
Genomic context (GRCh38, chrX:32,386,324, plus strand): 5'-ATAAGGAAAGTGGAAAGAAGTGTTTGTGGTCTCAGCATGCACACACCTTTGCTCCCAGCT[C>T]ATTATAATGCAATTTCAAAGCTGTTACTCTTTCATCAAGTTCTTTGGGATTTTCCGTCTG-3'
Protein context (NP_003997.2, residues 1544-1564): RVTALKLHYN[Glu1554Lys]LGAKVTERKQ

ClinVar aggregate classification (germline): Uncertain significance. Review status: criteria provided, single submitter (1 of 4 stars). 2 submissions from 2 submitters: Uncertain significance (1). 1 of the submissions does not count toward it. Last evaluated 2024-01-29.

Conditions:
Duchenne muscular dystrophy (DMD). Also called: MUSCULAR DYSTROPHY, PSEUDOHYPERTROPHIC PROGRESSIVE, DUCHENNE TYPE; Duchenne Muscular Dystrophy (DMD). Identifiers: Orphanet 98896, MedGen C0013264, MONDO:0010679, OMIM 310200.
Dystrophin deficiency.
Becker muscular dystrophy (BMD). Also called: MUSCULAR DYSTROPHY, PSEUDOHYPERTROPHIC PROGRESSIVE, BECKER TYPE; Becker Muscular Dystrophy (BMD). Identifiers: Orphanet 98895, MedGen C0917713, MONDO:0010311, OMIM 300376.
Cardiomyopathy (CMYO). Also called: Cardiomyopathies. Identifiers: Orphanet 167848, MedGen C0878544, MONDO:0004994, HP:0001638. Inheritance: Various modes of inheritance.

gnomAD v4.1: 1 of 1,208,812 alleles (0.000083%); highest among the groups gnomAD compares: Non-Finnish European, 0.00011%; no homozygotes.

Submissions (2):

Labcorp Genetics (formerly Invitae), Labcorp
Classification: Uncertain significance for Duchenne muscular dystrophy. Last evaluated: 2024-01-29. Review status: criteria provided, single submitter. Criteria: Invitae Variant Classification Sherloc (09022015). Collection method: clinical testing. Allele origin: germline.
Comment: This sequence change replaces glutamic acid, which is acidic and polar, with lysine, which is basic and polar, at codon 1554 of the DMD protein (p.Glu1554Lys). This variant is present in population databases (no rsID available, gnomAD 0.001%). This variant has not been reported in the literature in individuals affected with DMD-related conditions. ClinVar contains an entry for this variant (Variation ID: 1014554). Advanced modeling of protein sequence and biophysical properties (such as structural, functional, and spatial information, amino acid conservation, physicochemical variation, residue mobility, and thermodynamic stability) performed at Invitae indicates that this missense variant is not expected to disrupt DMD protein function with a negative predictive value of 95%. In summary, the available evidence is currently insufficient to determine the role of this variant in disease. Therefore, it has been classified as a Variant of Uncertain Significance.

Natera, Inc.
Classification: Uncertain significance for Becker muscular dystrophy; Cardiomyopathy; Duchenne muscular dystrophy; Dystrophin deficiency. Last evaluated: 2021-10-08. Review status: no assertion criteria provided. Collection method: clinical testing. Allele origin: germline. Not counted in ClinVar's aggregate classification.